The following is an entry in ClinVar:

ClinVar aggregate classification (germline): Benign (0 of 4 stars; one submission).

Conditions:
ADGRL2-related disorder. Also called: ADGRL2-related condition.

Allele frequency attached by ClinVar (database versions not stated): gnomAD exomes 0.00048; TOPMed 0.00071; gnomAD 0.00072; ExAC 0.00168; 1000 Genomes Project 0.00419; 1000 Genomes Project 30x 0.00437.
gnomAD v4.1: 875 of 1,611,690 alleles (0.054%); highest among the groups gnomAD compares: East Asian, 1.5%; 6 homozygotes.

Submission:

PreventionGenetics, part of Exact Sciences
Classification: Benign for ADGRL2-related condition. Last evaluated: 2019-08-16. Review status: no assertion criteria provided. Collection method: clinical testing. Allele origin: germline.
Comment: This variant is classified as benign based on ACMG/AMP sequence variant interpretation guidelines (Richards et al. 2015 PMID: 25741868, with internal and published modifications).

NM_001366006.2(ADGRL2):c.3605A>G (p.Asn1202Ser)

Gene: ADGRL2 (adhesion G protein-coupled receptor L2; plus strand). Cytogenetic location: 1p31.1.
Variant type: single nucleotide variant.
Coding change: c.3605A>G on transcript NM_001366006.2 (MANE Select); coding-DNA position 3605, A replaced by G.
Protein change: p.Asn1202Ser; replaces asparagine 1202 with serine.
Molecular consequence: missense variant. On other transcripts: non-coding transcript variant (1), intron variant (13).
Genome position (GRCh38, 1-based): chr1:81,986,997, A>G. VCF-style: chr1-81986997-A-G. GRCh37 (hg19) VCF-style: chr1-82452681-A-G.
Other names: c.3605A>G, p.Asn1202Ser (NM_001350698.2, NM_001366003.2, NM_001366004.2 and 3 more transcripts); c.3650A>G, p.Asn1217Ser (NM_001366007.2); c.3457+1642A>G (NM_001297704.3, NM_012302.5, NM_001393351.1 and 2 more transcripts); c.3496+1642A>G (NM_001330645.3, NM_001393350.1); c.3458-292A>G (NM_001297705.3, NM_001393353.1); c.3360+2286A>G (NM_001297706.3); c.3458-263A>G (NM_001350699.2, NM_001393354.1); c.3497-292A>G (NM_001366009.2); short protein forms N1202S, N1217S.
Identifiers: ClinVar variation 3038680 (VCV003038680.2), dbSNP rs188777224, ClinGen allele CA923060.